The following is an entry in ClinVar:

ClinVar aggregate classification (germline): Uncertain significance. Review status: criteria provided, multiple submitters, no conflicts (2 of 4 stars). 3 submissions from 3 submitters: Uncertain significance (3). Last evaluated 2023-07-07.

Conditions:
Charcot-Marie-Tooth disease type 4. Also called: Charcot-Marie-Tooth disease, type IV; Charcot-Marie-Tooth, Type 4. Identifiers: Orphanet 64749, MedGen C4082197, MONDO:0018995.
Charcot-Marie-Tooth disease. Also called: Charcot-Marie-Tooth Neuropathy; Charcot-Marie-Tooth Hereditary Neuropathy. Identifiers: Orphanet 166, MedGen C0007959, MONDO:0015626.

Allele frequency attached by ClinVar (database versions not stated): gnomAD 0.00001; gnomAD exomes 0.00001; TOPMed 0.00001.

Submissions (3):

Labcorp Genetics (formerly Invitae), Labcorp
Classification: Uncertain significance for Charcot-Marie-Tooth disease type 4. Last evaluated: 2023-07-07. Review status: criteria provided, single submitter. Criteria: Invitae Variant Classification Sherloc (09022015). Collection method: clinical testing. Allele origin: germline.
Comment: In summary, the available evidence is currently insufficient to determine the role of this variant in disease. Therefore, it has been classified as a Variant of Uncertain Significance. Advanced modeling of protein sequence and biophysical properties (such as structural, functional, and spatial information, amino acid conservation, physicochemical variation, residue mobility, and thermodynamic stability) performed at Invitae indicates that this missense variant is not expected to disrupt SH3TC2 protein function. ClinVar contains an entry for this variant (Variation ID: 448367). This missense change has been observed in individual(s) with clinical features of Charcot-Marie-Tooth disease (PMID: 32376792). This variant is not present in population databases (gnomAD no frequency). This sequence change replaces phenylalanine, which is neutral and non-polar, with leucine, which is neutral and non-polar, at codon 551 of the SH3TC2 protein (p.Phe551Leu).

Athena Diagnostics
Classification: Uncertain significance. Last evaluated: 2016-11-30. Review status: criteria provided, single submitter. Criteria: Athena Diagnostics Criteria. Collection method: clinical testing. Allele origin: germline.

Molecular Genetics Laboratory, London Health Sciences Centre
Classification: Uncertain significance for Charcot-Marie-Tooth disease. Review status: criteria provided, single submitter. Criteria: ACMG Guidelines, 2015. Collection method: clinical testing. Allele origin: germline. Affected: yes.

Literature cited by the submitters: PubMed 32376792 (cited by Labcorp Genetics (formerly Invitae), Labcorp).

NM_024577.4(SH3TC2):c.1651T>C (p.Phe551Leu)

Gene: SH3TC2 (SH3 domain and tetratricopeptide repeats 2; minus strand). Cytogenetic location: 5q32.
Variant type: single nucleotide variant.
Coding change: c.1651T>C on transcript NM_024577.4 (MANE Select); coding-DNA position 1651, T replaced by C.
Protein change: p.Phe551Leu; replaces phenylalanine 551 with leucine.
Molecular consequence: missense variant.
Genome position (GRCh38, 1-based): chr5:149,028,081, A>G on the plus strand (T>C on the coding strand, the complement: SH3TC2 is on the minus strand). VCF-style: chr5-149028081-A-G. GRCh37 (hg19) VCF-style: chr5-148407644-A-G.
Other names: short protein forms F551L.
Identifiers: ClinVar variation 448367 (VCV000448367.10), dbSNP rs1554121720, ClinGen allele CA361668059.
Genomic context (GRCh38, chr5:149,028,081, plus strand): 5'-GAGTGGCCACCAAGGATAGGTCCTCAAATGCTCCATTGAGAATGTGGATGGCCTCCTCGA[A>G]GTACACCCTGGCCTGAGAGAGTTTGACCTTCCTGATGCTCAGCCGGCCCAGGAGGAAGCA-3'
Protein context (NP_078853.2, residues 541-561): KVKLSQARVY[Phe551Leu]EEAIHILNGA